The following continues an entry in ClinVar:

NM_000091.5(COL4A3):c.2452G>A (p.Gly818Arg)

ClinVar aggregate classification (germline): Pathogenic/Likely pathogenic. Pathogenic (10); Likely pathogenic (3).

Submissions 8 to 15 of 15:

PreventionGenetics, part of Exact Sciences
Classification: Likely pathogenic for COL4A3-related condition. Last evaluated: 2022-12-20. Review status: criteria provided, single submitter. Criteria: ACMG Guidelines, 2015. Collection method: clinical testing. Allele origin: germline.
Comment: The COL4A3 c.2452G>A variant is predicted to result in the amino acid substitution p.Gly818Arg. This variant was reported in the compound heterozygous state in an individual with Alport syndrome (Patient 11, Storey et al. 2013. PubMed ID: 24052634). This variant was also reported, along with another variant in COL4A3 (phase not noted) in siblings with likely Alport disease and likely hereditary nephritis (Family F2, Gast et al. 2016. PubMed ID: 26346198) and in an individual with glomerulopathy (Supplemental Table 7, Patient ID: CKD152, Groopman et al. 2019. PubMed ID: 30586318). This variant was also reported with a COL4A4 missense variant in an individual with Alport syndrome and both were maternally inherited (Supplemental Table 2, Patient 7, Sen et al. 2017. PubMed ID: 28780565). Of note, for that patient the variant was reported to track with disease in four affected and two unaffected individuals. This variant was also reported in the heterozygous state in an individual with hematuria (Family ID: B2347, Individual ID: 17, Connaughton et al. 2019. PubMed ID: 30773290) and in an individual with steroid-resistant nephrotic syndrome, undescended testes, and a penile anomaly (Supplemental Table 2, Patient 64, Sen et al. 2017. PubMed ID: 28780565). Of note the second patient listed also carried a de novo WT1 variant and the COL4A3 variant was inherited from an unaffected father. This variant was also reported in the heterozygous state in an individual with focal segmental glomerulosclerosis (FSGF) (Patient 7215, Family F23, Yao et al. 2019. PubMed ID: 30647093). This variant is reported in 0.0028% of alleles in individuals of European (Non-Finnish) descent in gnomAD and has conflicting interpretations regarding its pathogenicity in ClinVar, ranging from uncertain significance, to likely pathogenic, to pathogenic. The p.Gly818Arg residue is located in the conserved triple helical domain, where substitutions of the glycine are usually pathogenic (UniProt residues 43-1438, Hudson et al. 1993. PubMed ID: 8253711). Taken together, this variant is interpreted as likely pathogenic.

Revvity Omics, Revvity
Classification: Pathogenic. Last evaluated: 2022-09-27. Review status: criteria provided, single submitter. Criteria: ACMG Guidelines, 2015. Collection method: clinical testing. Allele origin: germline.

Blueprint Genetics
Classification: Pathogenic for COL4A3-related disorders. Last evaluated: 2022-06-02. Review status: criteria provided, single submitter. Criteria: ACMG Guidelines, 2015. Collection method: clinical testing. Allele origin: germline. Affected: yes. Observed: 3 variant alleles.

GeneDx
Classification: Pathogenic. Last evaluated: 2021-09-20. Review status: criteria provided, single submitter. Criteria: GeneDx Variant Classification Process June 2021. Collection method: clinical testing. Allele origin: germline. Affected: yes.
Comment: Reported as a single heterozygous variant in several unrelated individuals with features suggestive of Alport syndrome (Gast et al., 2016; Sen et al., 2017; Connaughton et al., 2019; Yao et al., 2019); of note, one individual inherited this variant from an unaffected parent; Reported with a pathogenic variant on the opposite allele (in trans) with a second COL4A3 variant in an individual with features suggestive of Alport syndrome (Storey et al., 2013); Affects a glycine residue in a Gly-X-Y motif in the triple helical region of the COL4A3 gene, where the majority of pathogenic missense variants occur, and is predicted to disrupt normal protein folding and function (Stenson et al., 2014; Jais et al., 2000); Not observed at significant frequency in large population cohorts (Lek et al., 2016); In silico analysis supports that this missense variant has a deleterious effect on protein structure/function; This variant is associated with the following publications: (PMID: 28780565, 24077912, 10752524, 24052634, 30773290, 26346198, 30647093)

Cambridge Genomics Laboratory, East Genomic Laboratory Hub, NHS Genomic Medicine Service
Classification: Likely pathogenic for Benign familial hematuria. Last evaluated: 2020-07-03. Review status: criteria provided, single submitter. Criteria: ACGS Best Practice Guidelines for Variant Classification in Rare Disease 2020. Collection method: clinical testing. Allele origin: germline. Affected: yes. Observed: 1 variant allele.

Athena Diagnostics
Classification: Pathogenic. Last evaluated: 2016-03-25. Review status: criteria provided, single submitter. Criteria: Athena Diagnostics Criteria. Collection method: clinical testing. Allele origin: germline.

Yale Center for Mendelian Genomics, Yale University
Classification: Likely pathogenic for Autosomal dominant Alport syndrome. Last evaluated: 2019-02-14. Review status: no assertion criteria provided. Collection method: literature only. Allele origin: germline. Affected: yes. Observed: 1 heterozygote. Study: Yale Center for Mendelian Genomics. Not counted in ClinVar's aggregate classification.

Gharavi Laboratory, Columbia University
Classification: Likely pathogenic. Last evaluated: 2018-09-16. Review status: no assertion criteria provided. Criteria: ACMG Guidelines, 2015. Collection method: research. Allele origin: germline. Affected: yes. Not counted in ClinVar's aggregate classification.

Literature cited by the submitters: PubMed 24052634 (cited by 5 submitters); PubMed 26346198 (cited by 5 submitters); PubMed 30586318 (cited by 3 submitters); PubMed 30647093 (cited by Labcorp Genetics (formerly Invitae), Labcorp and Molecular Genetics, Royal Melbourne Hospital); PubMed 30773290 (cited by 5 submitters); PubMed 39588246 (cited by Natera, Inc.); PubMed 12028435 (cited by Victorian Clinical Genetics Services, Murdoch Childrens Research Institute); PubMed 28780565 (cited by 3 submitters); PubMed 20301386 (cited by Molecular Genetics, Royal Melbourne Hospital); PubMed 38993907 (cited by Molecular Genetics, Royal Melbourne Hospital); PubMed 33851121 (cited by Myriad Genetics, Inc.).